The following is an entry in ClinVar:

ClinVar aggregate classification (germline): Uncertain significance (1 of 4 stars; one submission).

Allele frequency attached by ClinVar (database versions not stated): 1000 Genomes Project 30x 0.00016; 1000 Genomes Project 0.00020.

Submission:

Labcorp Genetics (formerly Invitae), Labcorp
Classification: Uncertain significance. Last evaluated: 2022-07-27. Review status: criteria provided, single submitter. Criteria: Invitae Variant Classification Sherloc (09022015). Collection method: clinical testing. Allele origin: germline.
Comment: This sequence change replaces threonine, which is neutral and polar, with methionine, which is neutral and non-polar, at codon 272 of the GALNT3 protein (p.Thr272Met). This variant is present in population databases (rs137853090, gnomAD 0.03%). This variant has not been reported in the literature in individuals affected with GALNT3-related conditions. Algorithms developed to predict the effect of missense changes on protein structure and function are either unavailable or do not agree on the potential impact of this missense change (SIFT: "Deleterious"; PolyPhen-2: "Probably Damaging"; Align-GVGD: "Class C0"). In summary, the available evidence is currently insufficient to determine the role of this variant in disease. Therefore, it has been classified as a Variant of Uncertain Significance.

NM_004482.4(GALNT3):c.815C>T (p.Thr272Met)

Gene: GALNT3 (polypeptide N-acetylgalactosaminyltransferase 3; minus strand). Cytogenetic location: 2q24.3.
Variant type: single nucleotide variant.
Coding change: c.815C>T on transcript NM_004482.4 (MANE Select); coding-DNA position 815, C replaced by T.
Protein change: p.Thr272Met; replaces threonine 272 with methionine.
Molecular consequence: missense variant.
Genome position (GRCh38, 1-based): chr2:165,761,928, G>A on the plus strand (C>T on the coding strand, the complement: GALNT3 is on the minus strand). VCF-style: chr2-165761928-G-A. GRCh37 (hg19) VCF-style: chr2-166618438-G-A.
Other names: short protein forms T272M.
Identifiers: ClinVar variation 2123390 (VCV002123390.1), dbSNP rs137853090, ClinGen allele CA1941119.